The following is an entry in ClinVar:

ClinVar aggregate classification (germline): Conflicting classifications of pathogenicity. Review status: criteria provided, conflicting classifications (1 of 4 stars). 9 submissions from 9 submitters: Pathogenic (1); Likely pathogenic (5); Uncertain significance (3). Last evaluated 2025-11-13.

Conditions:
MYBPC3-related disorder. Also called: MYBPC3-related disorders; MYBPC3-related condition; MYBPC3-related disease.
Cardiovascular phenotype. Identifiers: MedGen CN230736.
Cardiomyopathy (CMYO). Also called: Cardiomyopathies. Identifiers: Orphanet 167848, MedGen C0878544, MONDO:0004994, HP:0001638. Inheritance: Various modes of inheritance.
Hypertrophic cardiomyopathy 4. Also called: Familial hypertrophic cardiomyopathy 4. Identifiers: MedGen C1861862, MONDO:0007268, OMIM 115197.
Hypertrophic cardiomyopathy. Also called: HYPERTROPHIC MYOCARDIOPATHY. Identifiers: Orphanet 217569, MedGen C0007194, MeSH D002312, MONDO:0005045, HP:0001639.
Left ventricular noncompaction cardiomyopathy. Also called: left ventricular non-compaction cardiomyopathy. Identifiers: MedGen C4021133, HP:0011664.

Allele frequency attached by ClinVar (database versions not stated): gnomAD exomes below 0.00001.
gnomAD v4.1: 2 of 1,613,652 alleles (0.00012%); highest among the groups gnomAD compares: Non-Finnish European, 0.00017%; no homozygotes.

Submissions (9):

GeneDx
Classification: Likely pathogenic. Last evaluated: 2025-11-13. Review status: criteria provided, single submitter. Criteria: GeneDx Variant Classification Process June 2021. Collection method: clinical testing. Allele origin: germline. Affected: yes.
Comment: Identified in patients with HCM and LVNC in published literature (PMID: 25132132, 34540771, 18258667); Not observed at significant frequency in large population cohorts (gnomAD); In silico analysis supports that this missense variant has a deleterious effect on protein structure/function; This variant is associated with the following publications: (PMID: 28679633, 18258667, 25132132, 34540771)

Labcorp Genetics (formerly Invitae), Labcorp
Classification: Uncertain significance for Hypertrophic cardiomyopathy. Last evaluated: 2025-10-23. Review status: criteria provided, single submitter. Criteria: Invitae Variant Classification Sherloc (09022015). Collection method: clinical testing. Allele origin: germline.
Comment: This sequence change replaces tyrosine, which is neutral and polar, with histidine, which is basic and polar, at codon 237 of the MYBPC3 protein (p.Tyr237His). This variant is not present in population databases (gnomAD no frequency). This missense change has been observed in individual(s) with hypertrophic cardiomyopathy and/or left ventricular noncompaction cardiomyopathy (PMID: 18258667, 34540771; internal data). ClinVar contains an entry for this variant (Variation ID: 181047). An algorithm developed to predict the effect of missense changes on protein structure and function (PolyPhen-2) suggests that this variant is likely to be disruptive. This variant disrupts the p.Tyr237 amino acid residue in MYBPC3. Other variant(s) that disrupt this residue have been determined to be pathogenic (PMID: 12818575, 24111713, 27532257, 30611859). This suggests that this residue is clinically significant, and that variants that disrupt this residue are likely to be disease-causing. In summary, the available evidence is currently insufficient to determine the role of this variant in disease. Therefore, it has been classified as a Variant of Uncertain Significance.

Ambry Genetics
Classification: Likely pathogenic for Cardiovascular phenotype. Last evaluated: 2024-05-08. Review status: criteria provided, single submitter. Criteria: Ambry Variant Classification Scheme 2023. Collection method: clinical testing. Allele origin: germline.
Comment: The p.Y237H variant (also known as c.709T>C), located in coding exon 6 of the MYBPC3 gene, results from a T to C substitution at nucleotide position 709. The tyrosine at codon 237 is replaced by histidine, an amino acid with similar properties. This alteration has been detected in several individuals with hypertrophic cardiomyopathy (Waldm&uuml;ller S et al. Clin. Chem. 2008;54:682-7; Wang J et al. Eur J Heart Fail, 2014 Sep;16:950-7; Ambry internal data; external communication). This alteration has also been reported in a left ventricular non-compaction cohort (Schultze-Berndt A et al. Front Pediatr, 2021 Sep;9:722926). This variant is considered to be rare based on population cohorts in the Genome Aggregation Database (gnomAD). This amino acid position is highly conserved in available vertebrate species. In addition, this alteration is predicted to be deleterious by in silico analysis. Based on the majority of available evidence to date, this variant is likely to be pathogenic.

ARUP Laboratories, Molecular Genetics and Genomics, ARUP Laboratories
Classification: Likely pathogenic. Last evaluated: 2023-10-14. Review status: criteria provided, single submitter. Criteria: ARUP Molecular Germline Variant Investigation Process 2024. Collection method: clinical testing. Allele origin: germline.
Comment: The MYBPC3 c.709T>C; p.Tyr237His variant (rs730880624) is reported in the literature in individuals affected with hypertrophic cardiomyopathy (HCM) or left ventricular noncompaction (Schultze-Berndt 2021, Waldmuller 2008, Wang 2008). This variant is absent from the Genome Aggregation Database (v2.1.1), indicating it is not a common polymorphism. Computational analyses predict that this variant is deleterious (REVEL: 0.919). Additionally, other variants at this codon (c.710A>G; p.Tyr237Ser, c.710A>G; p.Tyr237Cys) have been reported in individuals with HCM (Coto 2012, Garcia-Castro 2009, Morner 2003, Walsh 2017). Based on available information, the p.Tyr237His variant is considered to be likely pathogenic. References: Coto E et al. Resequencing the whole MYH7 gene (including the intronic, promoter, and 3' UTR sequences) in hypertrophic cardiomyopathy. J Mol Diagn. 2012 Sep;14(5):518-24. PMID: 22765922. Garcia-Castro M et al. Espectro mutacional de los genes sarcoméricos MYH7, MYBPC3, TNNT2, TNNI3 y TPM1 en pacientes con miocardiopatía hipertrófica [Mutations in sarcomeric genes MYH7, MYBPC3, TNNT2, TNNI3, and TPM1 in patients with hypertrophic cardiomyopathy]. Rev Esp Cardiol. 2009 Jan;62(1):48-56. Spanish. PMID: 19150014. Morner S et al. Identification of the genotypes causing hypertrophic cardiomyopathy in northern Sweden. J Mol Cell Cardiol. 2003 Jul;35(7):841-9. PMID: 12818575. Schultze-Berndt A et al. Reduced Systolic Function and Not Genetic Variants Determine Outcome in Pediatric and Adult Left Ventricular Noncompaction Cardiomyopathy. Front Pediatr. 2021 Sep 3;9:722926. PMID: 34540771. Waldmuller S et al. Array-based resequencing assay for mutations causing hypertrophic cardiomyopathy. Clin Chem. 2008 Apr;54(4):682-7. PMID: 18258667. Walsh R et al. Reassessment of Mendelian gene pathogenicity using 7,855 cardiomyopathy cases and 60,706 reference samples. Genet Med. 2017 Feb;19(2):192-203. PMID: 27532257. Wang J et al. Malignant effects of multiple rare variants in sarcomere genes on the prognosis of patients with hypertrophic cardiomyopathy. Eur J Heart Fail. 2014 Sep;16(9):950-7. PMID: 25132132.

PreventionGenetics, part of Exact Sciences
Classification: Likely pathogenic for MYBPC3-related condition. Last evaluated: 2023-08-14. Review status: criteria provided, single submitter. Criteria: ACMG Guidelines, 2015. Collection method: clinical testing. Allele origin: germline.
Comment: The MYBPC3 c.709T>C variant is predicted to result in the amino acid substitution p.Tyr237His. This variant has been reported in an individual with hypertrophic cardiomyopathy (Waldmuller et al. 2008. PubMed ID: 18258667) and an individual with left ventricular noncompaction (Table S1, Schultze-Berndt et al. 2021. PubMed ID: 34540771). Additionally, different missense variants affecting this amino acid (p.Tyr237Ser, p.Tyr237Cys) have been reported in individuals with hypertrophic cardiomyopathy (Table S1A/B – Walsh et al. 2017. PubMed ID: 27532257; García-Castro et al. 2009. PubMed ID: 19150014). Functional studies of the p.Tyr237Ser variant found it accelerates contractile function (Doh et al. 2019. PubMed ID: 30611859). This variant has not been reported in a large population database, indicating this variant is rare. This variant is interpreted as likely pathogenic.

CHEO Genetics Diagnostic Laboratory, Children's Hospital of Eastern Ontario
Classification: Uncertain significance for Cardiomyopathy. Last evaluated: 2021-02-12. Review status: criteria provided, single submitter. Criteria: ACMG Guidelines, 2015. Collection method: clinical testing. Allele origin: germline.

CeGaT Center for Human Genetics Tuebingen
Classification: Uncertain significance. Last evaluated: 2016-11-01. Review status: criteria provided, single submitter. Criteria: CeGaT Center For Human Genetics Tuebingen Variant Classification Criteria Version 2. Collection method: clinical testing. Allele origin: germline. Affected: yes. Observed: 1 variant allele.

Juno Genomics, Hangzhou Juno Genomics, Inc
Classification: Likely pathogenic for Hypertrophic cardiomyopathy 4. Review status: criteria provided, single submitter. Criteria: ACMG Guidelines, 2015. Collection method: clinical testing. Allele origin: germline.
Comment: Absent from controls (or at extremely low frequency if recessive) in Genome Aggregation Database.;Well-established in vitro or in vivo functional studies supportive of a damaging effect on the gene or gene product.;The prevalence of the variant in affected individuals is significantly increased compared to the prevalence in controls.;Novel missense change at an amino acid residue where a different missense change determined to be pathogenic has been seen before.

Klaassen Lab, Charite University Medicine Berlin
Classification: Pathogenic for Left ventricular noncompaction cardiomyopathy. Review status: criteria provided, single submitter. Criteria: ACMG Guidelines, 2015. Collection method: research. Allele origin: germline. Affected: yes.

Literature cited by the submitters: PubMed 18258667 (cited by Labcorp Genetics (formerly Invitae), Labcorp and Ambry Genetics); PubMed 34540771 (cited by 3 submitters); PubMed 12818575 (cited by Labcorp Genetics (formerly Invitae), Labcorp); PubMed 24111713 (cited by Labcorp Genetics (formerly Invitae), Labcorp); PubMed 27532257 (cited by Labcorp Genetics (formerly Invitae), Labcorp); PubMed 30611859 (cited by Labcorp Genetics (formerly Invitae), Labcorp); PubMed 25132132 (cited by Ambry Genetics); PubMed 33495597 (cited by Ambry Genetics).

NM_000256.3(MYBPC3):c.709T>C (p.Tyr237His)

Gene: MYBPC3 (myosin binding protein C3; minus strand). Cytogenetic location: 11p11.2.
Variant type: single nucleotide variant.
Coding change: c.709T>C on transcript NM_000256.3 (MANE Select); coding-DNA position 709, T replaced by C.
Protein change: p.Tyr237His; replaces tyrosine 237 with histidine.
Molecular consequence: missense variant.
Genome position (GRCh38, 1-based): chr11:47,348,487, A>G on the plus strand (T>C on the coding strand, the complement: MYBPC3 is on the minus strand). VCF-style: chr11-47348487-A-G. GRCh37 (hg19) VCF-style: chr11-47370038-A-G.
Other names: p.Y237H:TAC>CAC; c.709T>C, p.Tyr237His (LRG_386t1); short protein forms Y237H.
Identifiers: ClinVar variation 181047 (VCV000181047.65), dbSNP rs730880624, ClinGen allele CA015732.